The following is an entry in ClinVar:

NM_020207.7(ERCC6L2):c.1240C>G (p.Gln414Glu)

Gene: ERCC6L2 (ERCC excision repair 6 like 2; plus strand). Cytogenetic location: 9q22.32.
Variant type: single nucleotide variant.
Coding change: c.1240C>G on transcript NM_020207.7 (MANE Select); coding-DNA position 1240, C replaced by G.
Protein change: p.Gln414Glu; replaces glutamine 414 with glutamic acid.
Molecular consequence: missense variant. On other transcripts: non-coding transcript variant (1).
Genome position (GRCh38, 1-based): chr9:95,921,256, C>G. VCF-style: chr9-95921256-C-G. GRCh37 (hg19) VCF-style: chr9-98683538-C-G.
Other names: c.1240C>G, p.Gln414Glu (NM_001010895.4, NM_001375291.1, NM_001375292.1 and 2 more transcripts); short protein forms Q414E.
Identifiers: ClinVar variation 4019381 (VCV004019381.1).

ClinVar aggregate classification (germline): Uncertain significance (1 of 4 stars; one submission).

Conditions:
Inborn genetic diseases. Identifiers: MedGen C0950123, MeSH D030342.

Submission:

Ambry Genetics
Classification: Uncertain significance for Inborn genetic diseases. Last evaluated: 2025-05-25. Review status: criteria provided, single submitter. Criteria: Ambry Variant Classification Scheme 2023. Collection method: clinical testing. Allele origin: germline.
Comment: The p.Q414E variant (also known as c.1240C>G), located in coding exon 7 of the ERCC6L2 gene, results from a C to G substitution at nucleotide position 1240. The glutamine at codon 414 is replaced by glutamic acid, an amino acid with highly similar properties. This amino acid position is conserved. In addition, this alteration is predicted to be tolerated by in silico analysis. Based on the available evidence, the clinical significance of this variant remains unclear.